The following is an entry in ClinVar:

ClinVar aggregate classification (germline): Uncertain significance (1 of 4 stars; one submission).

Conditions:
Majeed syndrome (MJDS). Also called: CHRONIC RECURRENT MULTIFOCAL OSTEOMYELITIS 1, WITH CONGENITAL DYSERYTHROPOIETIC ANEMIA, WITH OR WITHOUT NEUTROPHILIC DERMATOSIS; LPIN2-Related Majeed Syndrome. Identifiers: Orphanet 77297, MedGen C1864997, MONDO:0012316, OMIM 609628.

Allele frequency attached by ClinVar (database versions not stated): gnomAD exomes below 0.00001.
gnomAD v4.1: 1 of 1,605,052 alleles (0.000062%); highest among the groups gnomAD compares: South Asian, 0.0011%; no homozygotes.

Submission:

Labcorp Genetics (formerly Invitae), Labcorp
Classification: Uncertain significance for Majeed syndrome. Last evaluated: 2021-08-26. Review status: criteria provided, single submitter. Criteria: Invitae Variant Classification Sherloc (09022015). Collection method: clinical testing. Allele origin: germline.
Comment: This sequence change replaces isoleucine with valine at codon 67 of the LPIN2 protein (p.Ile67Val). The isoleucine residue is highly conserved and there is a small physicochemical difference between isoleucine and valine. This variant is not present in population databases (ExAC no frequency). This variant has not been reported in the literature in individuals affected with LPIN2-related conditions. Algorithms developed to predict the effect of missense changes on protein structure and function are either unavailable or do not agree on the potential impact of this missense change (SIFT: "Tolerated"; PolyPhen-2: "Probably Damaging"; Align-GVGD: "Class C0"). In summary, the available evidence is currently insufficient to determine the role of this variant in disease. Therefore, it has been classified as a Variant of Uncertain Significance.

NM_001375808.2(LPIN2):c.199A>G (p.Ile67Val)

Gene: LPIN2 (lipin 2; minus strand). Cytogenetic location: 18p11.31.
Variant type: single nucleotide variant.
Coding change: c.199A>G on transcript NM_001375808.2 (MANE Select); coding-DNA position 199, A replaced by G.
Protein change: p.Ile67Val; replaces isoleucine 67 with valine.
Molecular consequence: missense variant.
Genome position (GRCh38, 1-based): chr18:2,954,593, T>C on the plus strand (A>G on the coding strand, the complement: LPIN2 is on the minus strand). VCF-style: chr18-2954593-T-C. GRCh37 (hg19) VCF-style: chr18-2954591-T-C.
Other names: c.199A>G, p.Ile67Val (NM_001375809.1, NM_014646.2); short protein forms I67V.
Identifiers: ClinVar variation 1003044 (VCV001003044.6), dbSNP rs1448362269, ClinGen allele CA401710743.